The following is an entry in ClinVar:

NM_020937.4(FANCM):c.2111C>T (p.Thr704Ile)

Gene: FANCM (FA complementation group M; plus strand). Cytogenetic location: 14q21.2.
Variant type: single nucleotide variant.
Coding change: c.2111C>T on transcript NM_020937.4 (MANE Select); coding-DNA position 2111, C replaced by T.
Protein change: p.Thr704Ile; replaces threonine 704 with isoleucine.
Molecular consequence: missense variant.
Genome position (GRCh38, 1-based): chr14:45,170,697, C>T. VCF-style: chr14-45170697-C-T. GRCh37 (hg19) VCF-style: chr14-45639900-C-T.
Other names: c.2033C>T, p.Thr678Ile (NM_001308133.2); short protein forms T678I, T704I.
Identifiers: ClinVar variation 3359885 (VCV003359885.1).

ClinVar aggregate classification (germline): Uncertain significance (1 of 4 stars; one submission).

Submission:

GeneDx
Classification: Uncertain significance. Last evaluated: 2023-06-13. Review status: criteria provided, single submitter. Criteria: GeneDx Variant Classification Process June 2021. Collection method: clinical testing. Allele origin: germline. Affected: yes.
Comment: Not observed at significant frequency in large population cohorts (gnomAD); In silico analysis supports that this missense variant does not alter protein structure/function; Has not been previously published as pathogenic or benign to our knowledge